The following is an entry in ClinVar:

NM_001113491.2(SEPTIN9):c.98T>C (p.Val33Ala)

Gene: SEPTIN9 (septin 9; plus strand). Cytogenetic location: 17q25.3.
Variant type: single nucleotide variant.
Coding change: c.98T>C on transcript NM_001113491.2 (MANE Select); coding-DNA position 98, T replaced by C.
Protein change: p.Val33Ala; replaces valine 33 with alanine.
Molecular consequence: missense variant. On other transcripts: 5 prime UTR variant (2).
Genome position (GRCh38, 1-based): chr17:77,402,080, T>C. VCF-style: chr17-77402080-T-C. GRCh37 (hg19) VCF-style: chr17-75398162-T-C.
Other names: c.44T>C (NM_006640.4); c.-395T>C (NM_001113492.2, NM_001113494.1); c.77T>C, p.Val26Ala (NM_001113493.2); c.41T>C, p.Val14Ala (NM_001293695.2); c.44T>C, p.Val15Ala (NM_006640.5); short protein forms V14A, V15A, V26A, V33A.
Identifiers: ClinVar variation 2445527 (VCV002445527.5), dbSNP rs1227826233, ClinGen allele CA401205488.

ClinVar aggregate classification (germline): Uncertain significance. Review status: criteria provided, multiple submitters, no conflicts (2 of 4 stars). 2 submissions from 2 submitters: Uncertain significance (2). Last evaluated 2023-09-23.

Conditions:
Inborn genetic diseases. Identifiers: MedGen C0950123, MeSH D030342.

Allele frequency attached by ClinVar (database versions not stated): TOPMed below 0.00001; gnomAD exomes 0.00001.
gnomAD v4.1: 9 of 1,613,250 alleles (0.00056%); highest among the groups gnomAD compares: Non-Finnish European, 0.00076%; no homozygotes.

Submissions (2):

Ambry Genetics
Classification: Uncertain significance for Inborn genetic diseases. Last evaluated: 2023-09-23. Review status: criteria provided, single submitter. Criteria: Ambry Variant Classification Scheme 2023. Collection method: clinical testing. Allele origin: germline.

Labcorp Genetics (formerly Invitae), Labcorp
Classification: Uncertain significance. Last evaluated: 2022-12-26. Review status: criteria provided, single submitter. Criteria: Invitae Variant Classification Sherloc (09022015). Collection method: clinical testing. Allele origin: germline.
Comment: This sequence change replaces valine, which is neutral and non-polar, with alanine, which is neutral and non-polar, at codon 15 of the SEPT9 protein (p.Val15Ala). This variant is present in population databases (no rsID available, gnomAD 0.003%). This variant has not been reported in the literature in individuals affected with SEPT9-related conditions. Advanced modeling of protein sequence and biophysical properties (such as structural, functional, and spatial information, amino acid conservation, physicochemical variation, residue mobility, and thermodynamic stability) performed at Invitae indicates that this missense variant is not expected to disrupt SEPT9 protein function. In summary, the available evidence is currently insufficient to determine the role of this variant in disease. Therefore, it has been classified as a Variant of Uncertain Significance.